The following is an entry in ClinVar:

NM_001148.6(ANK2):c.9854T>C (p.Ile3285Thr)

Gene: ANK2 (ankyrin 2; plus strand). Cytogenetic location: 4q26.
Variant type: single nucleotide variant.
Coding change: c.9854T>C on transcript NM_001148.6 (MANE Select); coding-DNA position 9854, T replaced by C.
Protein change: p.Ile3285Thr; replaces isoleucine 3285 with threonine.
Molecular consequence: missense variant. On other transcripts: intron variant (68).
Genome position (GRCh38, 1-based): chr4:113,358,472, T>C. VCF-style: chr4-113358472-T-C. GRCh37 (hg19) VCF-style: chr4-114279628-T-C.
Other names: p.I3285T:ATC>ACC; c.9620T>C, p.Ile3207Thr (NM_001386142.1); c.6254T>C, p.Ile2085Thr (NM_001386166.1); c.9995T>C, p.Ile3332Thr (NM_001386174.1); c.9971T>C, p.Ile3324Thr (NM_001386175.1); c.4412-2351T>C (NM_001386186.2, NM_001386148.2); c.4214-2351T>C (NM_001354269.3); c.4292-2351T>C (NM_001386187.2); and 37 more; short protein forms I3285T, I2085T, I3207T, I3324T, I3332T.
Identifiers: ClinVar variation 190528 (VCV000190528.63), dbSNP rs36210417, ClinGen allele CA199899.
Genomic context (GRCh38, chr4:113,358,472, plus strand): 5'-TTTATTCAGATAGGGGTGATGATTCTCCCGATTCTTCCCCAGAAGAACAGAAATCAGTAA[T>C]CGAGATTCCTACTGCACCCATGGAGAATGTGCCTTTTACTGAAAGCAAATCCAAAATTCC-3'
Protein context (NP_001139.3, residues 3275-3295): DSSPEEQKSV[Ile3285Thr]EIPTAPMENV

ClinVar aggregate classification (germline): Benign/Likely benign. Review status: criteria provided, multiple submitters, no conflicts (2 of 4 stars). 18 submissions from 18 submitters: Benign (8); Likely benign (8). 2 of the submissions do not count toward it. Last evaluated 2026-09-01.

Conditions:
Cardiovascular phenotype. Identifiers: MedGen CN230736.
Cardiomyopathy (CMYO). Also called: Cardiomyopathies. Identifiers: Orphanet 167848, MedGen C0878544, MONDO:0004994, HP:0001638. Inheritance: Various modes of inheritance.
Atrial fibrillation. Identifiers: MedGen C0004238, MONDO:0004981, HP:0005110.
Long QT syndrome (LQTS). Identifiers: MedGen C0023976, MeSH D008133, MONDO:0002442. Disease mechanism: loss of function. Inheritance: Various modes of inheritance.
Cardiac arrhythmia, ankyrin-B-related. Also called: ANKYRIN-B SYNDROME. Identifiers: Orphanet 101016, Orphanet 768, MedGen C1970119, MONDO:0010958, OMIM 600919.

Allele frequency attached by ClinVar (database versions not stated): 1000 Genomes Project 0.00399; 1000 Genomes Project 30x 0.00406; ESP Exome Variant Server 0.00684; gnomAD 0.00806 and 0.00822; ExAC 0.00823; gnomAD exomes 0.00845 and 0.00872; TOPMed 0.00911.

Submissions (18):

CeGaT Center for Human Genetics Tuebingen
Classification: Benign. Last evaluated: 2026-09-01. Review status: criteria provided, single submitter. Criteria: CeGaT Center For Human Genetics Tuebingen Variant Classification Criteria Version 2. Collection method: clinical testing. Allele origin: germline. Affected: yes. Observed: 89 variant alleles.
Comment: ANK2: BS1, BS2

Labcorp Genetics (formerly Invitae), Labcorp
Classification: Benign for Long QT syndrome. Last evaluated: 2026-02-01. Review status: criteria provided, single submitter. Criteria: Invitae Variant Classification Sherloc (09022015). Collection method: clinical testing. Allele origin: germline.

Genomic Medicine Center of Excellence, King Faisal Specialist Hospital and Research Centre
Classification: Likely benign. Last evaluated: 2025-08-18. Review status: criteria provided, single submitter. Criteria: ACMG Guidelines, 2015. Collection method: clinical testing. Allele origin: germline.

Molecular Diagnostic Laboratory for Inherited Cardiovascular Disease, Montreal Heart Institute
Classification: Likely benign. Last evaluated: 2025-04-09. Review status: criteria provided, single submitter. Criteria: ACMG Guidelines, 2015. Collection method: clinical testing. Allele origin: germline. Affected: no.

Blueprint Genetics
Classification: Likely benign. Last evaluated: 2024-11-25. Review status: criteria provided, single submitter. Criteria: ACMG Guidelines, 2015. Collection method: clinical testing. Allele origin: germline.

ARUP Laboratories, Molecular Genetics and Genomics, ARUP Laboratories
Classification: Benign. Last evaluated: 2023-11-22. Review status: criteria provided, single submitter. Criteria: ARUP Molecular Germline Variant Investigation Process 2024. Collection method: clinical testing. Allele origin: germline.

Fulgent Genetics
Classification: Likely benign for Cardiac arrhythmia, ankyrin-B-related. Last evaluated: 2022-04-08. Review status: criteria provided, single submitter. Criteria: ACMG Guidelines, 2015. Collection method: clinical testing. Allele origin: unknown.

Genome-Nilou Lab
Classification: Benign for Cardiac arrhythmia, ankyrin-B-related. Last evaluated: 2021-12-05. Review status: criteria provided, single submitter. Criteria: ACMG Guidelines, 2015. Collection method: clinical testing. Allele origin: germline. Affected: no.

Center for Advanced Laboratory Medicine, UC San Diego Health, University of California San Diego
Classification: Benign for Atrial fibrillation; Cardiomyopathy. Last evaluated: 2019-04-17. Review status: criteria provided, single submitter. Criteria: ACMG Guidelines, 2015. Collection method: clinical testing. Allele origin: germline. Affected: yes. Observed: 2 variant alleles.

Illumina Laboratory Services, Illumina
Classification: Likely benign for Cardiac arrhythmia, ankyrin-B-related. Last evaluated: 2018-01-13. Review status: criteria provided, single submitter. Criteria: ICSL Variant Classification Criteria 13 December 2019. Collection method: clinical testing. Allele origin: germline.
Comment: This variant was observed in the ICSL laboratory as part of a predisposition screen in an ostensibly healthy population. It had not been previously curated by ICSL or reported in the Human Gene Mutation Database (HGMD: prior to June 1st, 2018), and was therefore a candidate for classification through an automated scoring system. Utilizing variant allele frequency, disease prevalence and penetrance estimates, and inheritance mode, an automated score was calculated to assess if this variant is too frequent to cause the disease. Based on the score and internal cut-off values, a variant classified as likely benign is not then subjected to further curation. The score for this variant resulted in a classification of likely benign for this disease.

Women's Health and Genetics/Laboratory Corporation of America, LabCorp
Classification: Likely benign. Last evaluated: 2016-12-19. Review status: criteria provided, single submitter. Criteria: LabCorp Variant Classification Summary - May 2015. Collection method: clinical testing. Allele origin: germline.
Comment: Variant summary: The ANK2 c.9854T>C (p.Ile3285Thr) variant involves the alteration of a conserved nucleotide. 4/4 in silico tools predict a damaging outcome for this variant (SNPs&GO not captured due to low reliability index). This variant was found in 996/121056 control chromosomes (8 homozygotes) at a frequency of 0.0082276, which is approximately 823 times the estimated maximal expected allele frequency of a pathogenic ANK2 variant (0.00001), strong evidence that this variant is a benign polymorphism. The variant has been reported in the literature, without strong evidence for causality. In addition, multiple clinical diagnostic laboratories/reputable databases classified this variant as likely benign/benign. Taken together, this variant is classified as likely benign.

GeneDx
Classification: Benign. Last evaluated: 2016-10-12. Review status: criteria provided, single submitter. Criteria: GeneDx Variant Classification (06012015). Collection method: clinical testing. Allele origin: germline. Affected: yes.
Comment: This variant is considered likely benign or benign based on one or more of the following criteria: it is a conservative change, it occurs at a poorly conserved position in the protein, it is predicted to be benign by multiple in silico algorithms, and/or has population frequency not consistent with disease.

Ambry Genetics
Classification: Benign for Cardiovascular phenotype. Last evaluated: 2015-05-18. Review status: criteria provided, single submitter. Criteria: Ambry Variant Classification Scheme 2023. Collection method: clinical testing. Allele origin: germline.

Genome Diagnostics Laboratory, University Medical Center Utrecht
Classification: Likely benign for Cardiac arrhythmia, ankyrin-B-related. Last evaluated: 2014-10-09. Review status: criteria provided, single submitter. Criteria: ACGS Guidelines, 2013. Collection method: clinical testing. Allele origin: germline. Affected: yes. Study: VKGL Data-share Consensus.

Biesecker Lab/Clinical Genomics Section, National Institutes of Health
Classification: Benign. Last evaluated: 2013-06-24. Review status: criteria provided, single submitter. Criteria: Ng et al. (Circ Cardiovasc Genet. 2013). Collection method: research. Allele origin: unknown. Observed: 33 variant alleles. Study: ClinSeq.
Comment: The study set was not selected for affection status in relation to any cancer. Pathogenicity categories were based on literature curation. See Pubmed ID:23861362 for details.

Medical sequencing

Breakthrough Genomics
Classification: Likely benign. Review status: criteria provided, single submitter. Criteria: ACMG Guidelines, 2015. Collection method: not provided. Allele origin: germline. Inheritance: Autosomal dominant inheritance. Affected: yes.

Clinical Genetics, Academic Medical Center
Classification: Benign. Review status: no assertion criteria provided. Collection method: clinical testing. Allele origin: germline. Affected: yes. Study: VKGL Data-share Consensus. Not counted in ClinVar's aggregate classification.

Joint Genome Diagnostic Labs from Nijmegen and Maastricht, Radboudumc and MUMC+
Classification: Benign. Review status: no assertion criteria provided. Collection method: clinical testing. Allele origin: germline. Affected: yes. Study: VKGL Data-share Consensus. Not counted in ClinVar's aggregate classification.

Literature cited by the submitters: PubMed 23861362 (cited by Women's Health and Genetics/Laboratory Corporation of America, LabCorp); PubMed 26159999 (cited by Women's Health and Genetics/Laboratory Corporation of America, LabCorp); PubMed 24448499 (cited by Women's Health and Genetics/Laboratory Corporation of America, LabCorp); PubMed 17161064 (cited by Women's Health and Genetics/Laboratory Corporation of America, LabCorp); PubMed 25649125 (cited by Women's Health and Genetics/Laboratory Corporation of America, LabCorp).